The following is an entry in ClinVar:

ClinVar aggregate classification (germline): Uncertain significance (1 of 4 stars; one submission).

Conditions:
Hereditary nonpolyposis colorectal neoplasms. Identifiers: MedGen C0009405, MeSH D003123.

Submission:

Labcorp Genetics (formerly Invitae), Labcorp
Classification: Uncertain significance for Hereditary nonpolyposis colorectal neoplasms. Last evaluated: 2025-08-07. Review status: criteria provided, single submitter. Criteria: Invitae Variant Classification Sherloc (09022015). Collection method: clinical testing. Allele origin: germline.
Comment: This sequence change replaces glycine, which is neutral and non-polar, with alanine, which is neutral and non-polar, at codon 650 of the MSH6 protein (p.Gly650Ala). This variant is not present in population databases (gnomAD no frequency). This variant has not been reported in the literature in individuals affected with MSH6-related conditions. Invitae Evidence Modeling of protein sequence and biophysical properties (such as structural, functional, and spatial information, amino acid conservation, physicochemical variation, residue mobility, and thermodynamic stability) indicates that this missense variant is not expected to disrupt MSH6 protein function with a negative predictive value of 95%. In summary, the available evidence is currently insufficient to determine the role of this variant in disease. Therefore, it has been classified as a Variant of Uncertain Significance.

NM_000179.3(MSH6):c.1949G>C (p.Gly650Ala)

Gene: MSH6 (mutS homolog 6; plus strand). Cytogenetic location: 2p16.3.
Variant type: single nucleotide variant.
Coding change: c.1949G>C on transcript NM_000179.3 (MANE Select); coding-DNA position 1949, G replaced by C.
Protein change: p.Gly650Ala; replaces glycine 650 with alanine.
Molecular consequence: missense variant. On other transcripts: non-coding transcript variant (5), intron variant (2).
Genome position (GRCh38, 1-based): chr2:47,799,932, G>C. VCF-style: chr2-47799932-G-C. GRCh37 (hg19) VCF-style: chr2-48027071-G-C.
Other names: c.1652G>C, p.Gly551Ala (NM_001406824.1, NM_001406825.1, NM_001406827.1 and 10 more transcripts); c.1781G>C, p.Gly594Ala (NM_001406826.1); c.1043G>C, p.Gly348Ala (NM_001406829.1, NM_001281493.2, NM_001281494.2 and 6 more transcripts); c.1606+343G>C (NM_001406817.1); c.628-734G>C (NM_001407362.1); c.1559G>C, p.Gly520Ala (NM_001281492.2); c.2045G>C, p.Gly682Ala (NM_001406795.1, NM_001406802.1); c.1949G>C, p.Gly650Ala (NM_001406796.1, NM_001406798.1, NM_001406800.1 and 3 more transcripts); and 3 more; short protein forms G348A, G475A, G520A, G551A, G594A, G624A, G650A, G652A.
Identifiers: ClinVar variation 4800207 (VCV004800207.1).
Genomic context (GRCh38, chr2:47,799,932, plus strand): 5'-CATCCAAAACTTTGAGAACTCTCCTTGAGGAAGAATATTTTAGGGAAAAGCTAAGTGATG[G>C]CATTGGGGTGATGTTACCCCAGGTGCTTAAAGGTATGACTTCAGAGTCTGATTCCATTGG-3'
Protein context (NP_000170.1, residues 640-660): EEYFREKLSD[Gly650Ala]IGVMLPQVLK